The following is an entry in ClinVar:

NM_000407.5(GP1BB):c.491A>T (p.His164Leu)

Genes: GP1BB (glycoprotein Ib platelet subunit beta; plus strand), SEPT5-GP1BB (SEPT5-GP1BB readthrough; plus strand). Cytogenetic location: 22q11.21.
Variant type: single nucleotide variant.
Coding change: c.491A>T on transcript NM_000407.5 (MANE Select); coding-DNA position 491, A replaced by T.
Protein change: p.His164Leu; replaces histidine 164 with leucine.
Molecular consequence: missense variant. On other transcripts: non-coding transcript variant (2).
Genome position (GRCh38, 1-based): chr22:19,724,334, A>T. VCF-style: chr22-19724334-A-T. GRCh37 (hg19) VCF-style: chr22-19711857-A-T.
Other names: short protein forms H164L.
Identifiers: ClinVar variation 3251870 (VCV003251870.1), dbSNP rs2517805604.

ClinVar aggregate classification (germline): Uncertain significance (1 of 4 stars; one submission).

Submission:

Women's Health and Genetics/Laboratory Corporation of America, LabCorp
Classification: Uncertain significance. Last evaluated: 2024-04-18. Review status: criteria provided, single submitter. Criteria: LabCorp Variant Classification Summary - May 2015. Collection method: clinical testing. Allele origin: germline.
Comment: Variant summary: GP1BB c.491A>T (p.His164Leu) results in a non-conservative amino acid change in the encoded protein sequence. Three of five in-silico tools predict a benign effect of the variant on protein function. The variant was absent in 70510 control chromosomes. The available data on variant occurrences in the general population are insufficient to allow any conclusion about variant significance. To our knowledge, no occurrence of c.491A>T in individuals affected with Bernard Soulier Syndrome and no experimental evidence demonstrating its impact on protein function have been reported. No submitters have cited clinical-significance assessments for this variant to ClinVar. Based on the evidence outlined above, the variant was classified as uncertain significance.